The following is an entry in ClinVar:

NM_024523.6(GCC1):c.1338G>A (p.Ala446=)

Gene: GCC1 (GRIP and coiled-coil domain containing 1; minus strand). Cytogenetic location: 7q32.1.
Variant type: single nucleotide variant.
Coding change: c.1338G>A on transcript NM_024523.6 (MANE Select); coding-DNA position 1338, G replaced by A.
Protein change: p.Ala446=; no amino-acid change (alanine 446 retained).
Molecular consequence: synonymous variant.
Genome position (GRCh38, 1-based): chr7:127,583,004, C>T on the plus strand (G>A on the coding strand, the complement: GCC1 is on the minus strand). VCF-style: chr7-127583004-C-T. GRCh37 (hg19) VCF-style: chr7-127223058-C-T.
Identifiers: ClinVar variation 2657978 (VCV002657978.24), dbSNP rs200740651, ClinGen allele CA4466891.

ClinVar aggregate classification (germline): Likely benign (1 of 4 stars; one submission).

Allele frequency attached by ClinVar (database versions not stated): TOPMed 0.00002; ExAC 0.00003; gnomAD exomes 0.00003; gnomAD 0.00009; 1000 Genomes Project 30x 0.00047; 1000 Genomes Project 0.00060.
gnomAD v4.1: 70 of 1,614,126 alleles (0.0043%); highest among the groups gnomAD compares: Middle Eastern, 0.099%; 1 homozygote.

Submission:

CeGaT Center for Human Genetics Tuebingen
Classification: Likely benign. Last evaluated: 2022-04-01. Review status: criteria provided, single submitter. Criteria: CeGaT Center For Human Genetics Tuebingen Variant Classification Criteria Version 2. Collection method: clinical testing. Allele origin: germline. Affected: yes. Observed: 1 variant allele.
Comment: GCC1: BP4, BP7